The following is an entry in ClinVar:

NM_017612.5(ZCCHC8):c.1334A>G (p.Glu445Gly)

Gene: ZCCHC8 (zinc finger CCHC-type containing 8; minus strand). Cytogenetic location: 12q24.31.
Variant type: single nucleotide variant.
Coding change: c.1334A>G on transcript NM_017612.5 (MANE Select); coding-DNA position 1334, A replaced by G.
Protein change: p.Glu445Gly; replaces glutamic acid 445 with glycine.
Molecular consequence: missense variant.
Genome position (GRCh38, 1-based): chr12:122,477,852, T>C on the plus strand (A>G on the coding strand, the complement: ZCCHC8 is on the minus strand). VCF-style: chr12-122477852-T-C. GRCh37 (hg19) VCF-style: chr12-122962399-T-C.
Other names: c.1103A>G, p.Glu368Gly (NM_001350935.2); c.1037A>G, p.Glu346Gly (NM_001350936.2); c.620A>G, p.Glu207Gly (NM_001350937.2, NM_001350938.2); short protein forms E346G, E445G, E207G, E368G.
Identifiers: ClinVar variation 2970517 (VCV002970517.3), dbSNP rs565732310, ClinGen allele CA244754221.
Genomic context (GRCh38, chr12:122,477,852, plus strand): 5'-AAAAAAAAAAAAAAAAAGAGAGAAATCAGAGCCATAGGATGAAACCTACCTGAATCGAGC[T>C]CCATGTCGGCGGGAGATCCCGCTGAGTTGCTTTCATTCTTCTGCTTCTTTGGACTACCTG-3'
Protein context (NP_060082.2, residues 435-455): SNSAGSPADM[Glu445Gly]LDSDMEVPHG

ClinVar aggregate classification (germline): Uncertain significance (1 of 4 stars; one submission).

Allele frequency attached by ClinVar (database versions not stated): gnomAD 0.00001; 1000 Genomes Project 30x 0.00016; 1000 Genomes Project 0.00060.

Submission:

Labcorp Genetics (formerly Invitae), Labcorp
Classification: Uncertain significance. Last evaluated: 2024-01-29. Review status: criteria provided, single submitter. Criteria: Invitae Variant Classification Sherloc (09022015). Collection method: clinical testing. Allele origin: germline.
Comment: This sequence change replaces glutamic acid, which is acidic and polar, with glycine, which is neutral and non-polar, at codon 445 of the ZCCHC8 protein (p.Glu445Gly). This variant is not present in population databases (gnomAD no frequency). This variant has not been reported in the literature in individuals affected with ZCCHC8-related conditions. Advanced modeling of protein sequence and biophysical properties (such as structural, functional, and spatial information, amino acid conservation, physicochemical variation, residue mobility, and thermodynamic stability) has been performed at Invitae for this missense variant, however the output from this modeling did not meet the statistical confidence thresholds required to predict the impact of this variant on ZCCHC8 protein function. In summary, the available evidence is currently insufficient to determine the role of this variant in disease. Therefore, it has been classified as a Variant of Uncertain Significance.